The following is an entry in ClinVar:

NM_001184.4(ATR):c.998T>C (p.Val333Ala)

Gene: ATR (ATR checkpoint kinase; minus strand). Cytogenetic location: 3q23.
Variant type: single nucleotide variant.
Coding change: c.998T>C on transcript NM_001184.4 (MANE Select); coding-DNA position 998, T replaced by C.
Protein change: p.Val333Ala; replaces valine 333 with alanine.
Molecular consequence: missense variant.
Genome position (GRCh38, 1-based): chr3:142,562,404, A>G on the plus strand (T>C on the coding strand, the complement: ATR is on the minus strand). VCF-style: chr3-142562404-A-G. GRCh37 (hg19) VCF-style: chr3-142281246-A-G.
Other names: c.998T>C, p.Val333Ala (NM_001354579.2); short protein forms V333A.
Identifiers: ClinVar variation 2624937 (VCV002624937.2), dbSNP rs1255914784, ClinGen allele CA354824086.

ClinVar aggregate classification (germline): Uncertain significance (1 of 4 stars; one submission).

Conditions:
Inborn genetic diseases. Identifiers: MedGen C0950123, MeSH D030342.

Allele frequency attached by ClinVar (database versions not stated): gnomAD exomes 0.00001.

Submission:

Ambry Genetics
Classification: Uncertain significance for Inborn genetic diseases. Last evaluated: 2023-09-01. Review status: criteria provided, single submitter. Criteria: Ambry Variant Classification Scheme 2023. Collection method: clinical testing. Allele origin: germline.
Comment: The p.V333A variant (also known as c.998T>C), located in coding exon 4 of the ATR gene, results from a T to C substitution at nucleotide position 998. The valine at codon 333 is replaced by alanine, an amino acid with similar properties. This amino acid position is conserved. In addition, this alteration is predicted to be tolerated by in silico analysis. Since supporting evidence is limited at this time, the clinical significance of this alteration remains unclear.